The following is an entry in ClinVar:

NM_173660.5(DOK7):c.968G>A (p.Arg323His)

Gene: DOK7 (docking protein 7; plus strand). Cytogenetic location: 4p16.3.
Variant type: single nucleotide variant.
Coding change: c.968G>A on transcript NM_173660.5 (MANE Select); coding-DNA position 968, G replaced by A.
Protein change: p.Arg323His; replaces arginine 323 with histidine.
Molecular consequence: missense variant. On other transcripts: 3 prime UTR variant (1).
Genome position (GRCh38, 1-based): chr4:3,492,954, G>A. VCF-style: chr4-3492954-G-A. GRCh37 (hg19) VCF-style: chr4-3494681-G-A.
Other names: c.*189G>A (NM_001164673.2); c.38G>A, p.Arg13His (NM_001256896.2); c.968G>A, p.Arg323His (NM_001301071.2); c.536G>A, p.Arg179His (NM_001363811.2); c.968G>A (NM_173660.4); short protein forms R179H, R323H, R13H.
Identifiers: ClinVar variation 1432233 (VCV001432233.7), dbSNP rs763188032, ClinGen allele CA2829309.

ClinVar aggregate classification (germline): Uncertain significance. Review status: criteria provided, multiple submitters, no conflicts (2 of 4 stars). 3 submissions from 3 submitters: Uncertain significance (3). Last evaluated 2025-08-30.

Conditions:
Congenital myasthenic syndrome 10. Also called: Myasthenia, limb-girdle, familial. Identifiers: Orphanet 590, MedGen C1850792, MONDO:0009690, OMIM 254300.
Fetal akinesia deformation sequence 1 (FADS1). Also called: Pena-Shokeir syndrome type I; Fetal akinesia sequence. Identifiers: Orphanet 994, MedGen C1276035, MONDO:0100101, OMIM 208150, HP:0001989.
Fetal akinesia deformation sequence 3. Identifiers: MedGen C4760599, MONDO:0100103, OMIM 618389.
Inborn genetic diseases. Identifiers: MedGen C0950123, MeSH D030342.

Allele frequency attached by ClinVar (database versions not stated): gnomAD exomes 0.00004 and 0.00005.
gnomAD v4.1: 64 of 1,553,122 alleles (0.0041%); highest among the groups gnomAD compares: Admixed American, 0.015%; no homozygotes.

Submissions (3):

Ambry Genetics
Classification: Uncertain significance for Inborn genetic diseases. Last evaluated: 2025-08-30. Review status: criteria provided, single submitter. Criteria: Ambry Variant Classification Scheme 2023. Collection method: clinical testing. Allele origin: germline.

Fulgent Genetics
Classification: Uncertain significance for Congenital myasthenic syndrome 10; Fetal akinesia deformation sequence 3. Last evaluated: 2021-09-28. Review status: criteria provided, single submitter. Criteria: ACMG Guidelines, 2015. Collection method: clinical testing. Allele origin: unknown.

Labcorp Genetics (formerly Invitae), Labcorp
Classification: Uncertain significance for Congenital myasthenic syndrome 10; Fetal akinesia deformation sequence 1. Last evaluated: 2021-09-10. Review status: criteria provided, single submitter. Criteria: Invitae Variant Classification Sherloc (09022015). Collection method: clinical testing. Allele origin: germline.
Comment: This sequence change replaces arginine with histidine at codon 323 of the DOK7 protein (p.Arg323His). The arginine residue is moderately conserved and there is a small physicochemical difference between arginine and histidine. The frequency data for this variant in the population databases is considered unreliable, as metrics indicate poor data quality at this position in the ExAC database. This variant has not been reported in the literature in individuals affected with DOK7-related conditions. Algorithms developed to predict the effect of missense changes on protein structure and function (SIFT, PolyPhen-2, Align-GVGD) all suggest that this variant is likely to be tolerated. In summary, the available evidence is currently insufficient to determine the role of this variant in disease. Therefore, it has been classified as a Variant of Uncertain Significance.